The following is an entry in ClinVar:

ClinVar aggregate classification (germline): Likely benign (1 of 4 stars; one submission).

Conditions:
Juvenile polyposis syndrome (JPS). Identifiers: Orphanet 2929, MedGen C0345893, MONDO:0017380, OMIM 174900.

gnomAD v4.1: 3 of 1,613,882 alleles (0.00019%); highest among the groups gnomAD compares: African/African-American, 0.004%; no homozygotes.

Submission:

Myriad Genetics, Inc.
Classification: Likely benign for Juvenile polyposis syndrome. Last evaluated: 2024-08-05. Review status: criteria provided, single submitter. Criteria: Myriad Autosomal Dominant, Autosomal Recessive and X-Linked Classification Criteria (2023). Collection method: clinical testing. Allele origin: unknown.
Comment: This variant is considered likely benign. This variant is intronic and is not expected to impact mRNA splicing.

NM_004329.3(BMPR1A):c.869-11C>T

Gene: BMPR1A (bone morphogenetic protein receptor type 1A; plus strand). Cytogenetic location: 10q23.2.
Variant type: single nucleotide variant.
Coding change: c.869-11C>T on transcript NM_004329.3 (MANE Select); 11 bases into the intron before coding-DNA position 869, C replaced by T.
Molecular consequence: intron variant.
Genome position (GRCh38, 1-based): chr10:86,919,161, C>T. VCF-style: chr10-86919161-C-T. GRCh37 (hg19) VCF-style: chr10-88678918-C-T.
Other names: c.869-11C>T (NM_001406562.1, NM_001406568.1, NM_001406567.1 and 19 more transcripts); c.785-11C>T (NM_001406584.1, NM_001406588.1, NM_001406587.1 and 2 more transcripts); c.917-11C>T (NM_001406560.1); c.944-11C>T (NM_001406559.1); c.863-11C>T (NM_001406583.1); c.527-11C>T (NM_001406589.1).
Identifiers: ClinVar variation 3378770 (VCV003378770.1).